The following is an entry in ClinVar:

ClinVar aggregate classification (germline): Uncertain significance (1 of 4 stars; one submission).

Conditions:
ITGB4-related disorder. Also called: ITGB4-related condition.

Allele frequency attached by ClinVar (database versions not stated): ExAC 0.00004.
gnomAD v4.1: 19 of 1,611,370 alleles (0.0012%); highest among the groups gnomAD compares: Admixed American, 0.0033%; no homozygotes.

Submission:

PreventionGenetics, part of Exact Sciences
Classification: Uncertain significance for ITGB4-related condition. Last evaluated: 2023-03-29. Review status: criteria provided, single submitter. Criteria: ACMG Guidelines, 2015. Collection method: clinical testing. Allele origin: germline.
Comment: The ITGB4 c.4456C>T variant is predicted to result in premature protein termination (p.Arg1486*). To our knowledge, this variant has not been reported in the literature. This variant is reported in 0.0055% of alleles in individuals of East Asian descent in gnomAD. It is located in an alternate transcript that is expressed at a lower level than the primary transcript according to GTEx data. At this time, the clinical significance of this variant is uncertain due to the absence of conclusive functional and genetic evidence.

NM_000213.5(ITGB4):c.4558+347C>T

Genes: GALK1 (galactokinase 1; minus strand), ITGB4 (integrin subunit beta 4; plus strand). Cytogenetic location: 17q25.1.
Variant type: single nucleotide variant.
Coding change: c.4558+347C>T on transcript NM_000213.5 (MANE Select); 347 bases into the intron after coding-DNA position 4558, C replaced by T.
Molecular consequence: intron variant. On other transcripts: nonsense (1).
Genome position (GRCh38, 1-based): chr17:75,755,162, C>T. VCF-style: chr17-75755162-C-T. GRCh37 (hg19) VCF-style: chr17-73751243-C-T.
Other names: c.4456C>T, p.Arg1486Ter (NM_001005619.2); c.4348+347C>T (NM_001005731.3, NM_001438834.1, NM_001321123.2); c.*22+2872G>A (NM_001381985.1); short protein forms R1486*.
Identifiers: ClinVar variation 2635985 (VCV002635985.1), dbSNP rs748835678, ClinGen allele CA8770209.